The following is an entry in ClinVar:

NM_000135.4(FANCA):c.876C>G (p.His292Gln)

Gene: FANCA (FA complementation group A; minus strand). Cytogenetic location: 16q24.3.
Variant type: single nucleotide variant.
Coding change: c.876C>G on transcript NM_000135.4 (MANE Select); coding-DNA position 876, C replaced by G.
Protein change: p.His292Gln; replaces histidine 292 with glutamine.
Molecular consequence: missense variant.
Genome position (GRCh38, 1-based): chr16:89,799,183, G>C on the plus strand (C>G on the coding strand, the complement: FANCA is on the minus strand). VCF-style: chr16-89799183-G-C. GRCh37 (hg19) VCF-style: chr16-89865591-G-C.
Other names: c.876C>G, p.His292Gln (NM_001018112.3, NM_001286167.3); c.780C>G, p.His260Gln (NM_001351830.2); short protein forms H260Q, H292Q.
Identifiers: ClinVar variation 1192512 (VCV001192512.7), dbSNP rs527897404, ClinGen allele CA8252710.

ClinVar aggregate classification (germline): Uncertain significance. Review status: criteria provided, multiple submitters, no conflicts (2 of 4 stars). 3 submissions from 3 submitters: Uncertain significance (3). Last evaluated 2025-09-02.

Conditions:
Inborn genetic diseases. Identifiers: MedGen C0950123, MeSH D030342.
Fanconi anemia (FA). Also called: Fanconi's anemia. Identifiers: Orphanet 84, MedGen C0015625, MeSH D005199, MONDO:0019391.

Allele frequency attached by ClinVar (database versions not stated): gnomAD 0.00001.
gnomAD v4.1: 12 of 1,614,046 alleles (0.00074%); highest among the groups gnomAD compares: East Asian, 0.0022%; 1 homozygote.

Submissions (3):

Labcorp Genetics (formerly Invitae), Labcorp
Classification: Uncertain significance for Fanconi anemia. Last evaluated: 2025-09-02. Review status: criteria provided, single submitter. Criteria: Invitae Variant Classification Sherloc (09022015). Collection method: clinical testing. Allele origin: germline.
Comment: This sequence change replaces histidine, which is basic and polar, with glutamine, which is neutral and polar, at codon 292 of the FANCA protein (p.His292Gln). This variant is present in population databases (rs527897404, gnomAD 0.01%). This variant has not been reported in the literature in individuals affected with FANCA-related conditions. ClinVar contains an entry for this variant (Variation ID: 1192512). Invitae Evidence Modeling of protein sequence and biophysical properties (such as structural, functional, and spatial information, amino acid conservation, physicochemical variation, residue mobility, and thermodynamic stability) indicates that this missense variant is not expected to disrupt FANCA protein function with a negative predictive value of 95%. In summary, the available evidence is currently insufficient to determine the role of this variant in disease. Therefore, it has been classified as a Variant of Uncertain Significance.

Ambry Genetics
Classification: Uncertain significance for Inborn genetic diseases. Last evaluated: 2025-04-04. Review status: criteria provided, single submitter. Criteria: Ambry Variant Classification Scheme 2023. Collection method: clinical testing. Allele origin: germline.
Comment: The p.H292Q variant (also known as c.876C>G), located in coding exon 10 of the FANCA gene, results from a C to G substitution at nucleotide position 876. The histidine at codon 292 is replaced by glutamine, an amino acid with highly similar properties. This amino acid position is conserved. In addition, this alteration is predicted to be tolerated by in silico analysis. Based on the available evidence, the clinical significance of this variant remains unclear.

St. Jude Molecular Pathology, St. Jude Children's Research Hospital
Classification: Uncertain significance for Fanconi anemia. Last evaluated: 2021-07-29. Review status: criteria provided, single submitter. Criteria: St. Jude Assertion Criteria 2020. Collection method: clinical testing. Allele origin: germline.
Comment: The FANCA c.876C>G (p.His292Gln) missense change has a maximum subpopulation frequency of 0.0050% in gnomAD v2.1.1 (PM2_supporting). Seven of seven in silico tools predict a benign effect of this variant on protein function (BP4), but to our knowledge these predictions have not been confirmed by functional studies. To our knowledge, this variant has not been reported in individuals with Fanconi anemia. In summary, this variant meets criteria to be classified as of uncertain significance based on the ACMG/AMP criteria: PM2_Supporting, BP4.